The following is an entry in ClinVar:

NM_001267550.2(TTN):c.83821G>A (p.Glu27941Lys)

Genes: TTN (titin; minus strand), TTN-AS1 (TTN antisense RNA 1; plus strand). Cytogenetic location: 2q31.2.
Variant type: single nucleotide variant.
Coding change: c.83821G>A on transcript NM_001267550.2 (MANE Select); coding-DNA position 83821, G replaced by A.
Protein change: p.Glu27941Lys; replaces glutamic acid 27941 with lysine.
Molecular consequence: missense variant.
Genome position (GRCh38, 1-based): chr2:178,562,311, C>T on the plus strand (G>A on the coding strand, the complement: TTN is on the minus strand). VCF-style: chr2-178562311-C-T. GRCh37 (hg19) VCF-style: chr2-179427038-C-T.
Other names: c.78898G>A, p.Glu26300Lys (NM_001256850.1); c.56626G>A, p.Glu18876Lys (NM_003319.4); c.76117G>A, p.Glu25373Lys (NM_133378.4); c.57001G>A, p.Glu19001Lys (NM_133432.3); c.57202G>A, p.Glu19068Lys (NM_133437.4); c.83821G>A (NM_001267550.1); short protein forms E27941K, E19068K, E26300K, E25373K, E19001K, E18876K.
Identifiers: ClinVar variation 535688 (VCV000535688.9), dbSNP rs545954394, ClinGen allele CA1988864.

ClinVar aggregate classification (germline): Uncertain significance. Review status: criteria provided, multiple submitters, no conflicts (2 of 4 stars). 5 submissions from 5 submitters: Uncertain significance (5). Last evaluated 2025-05-30.

Conditions:
TTN-related disorder. Also called: TTN-related condition; TTN-related disease; TTN-related disorders.
Dilated cardiomyopathy 1G (CMD1G). Identifiers: Orphanet 154, MedGen C1858763, MONDO:0011400, OMIM 604145.
Autosomal recessive limb-girdle muscular dystrophy type 2J (LGMDR10). Also called: MUSCULAR DYSTROPHY, LIMB-GIRDLE, AUTOSOMAL RECESSIVE 10; Limb-girdle muscular dystrophy, type 2J. Identifiers: Orphanet 140922, MedGen C1837342, MONDO:0012127, OMIM 608807.

Allele frequency attached by ClinVar (database versions not stated): ExAC 0.00002; gnomAD exomes 0.00002 and 0.00003; TOPMed 0.00003; gnomAD 0.00004; 1000 Genomes Project 30x 0.00016; 1000 Genomes Project 0.00020.
gnomAD v4.1: 61 of 1,613,250 alleles (0.0038%); highest among the groups gnomAD compares: Admixed American, 0.0083%; no homozygotes.

Submissions (5):

PreventionGenetics, part of Exact Sciences
Classification: Uncertain significance for TTN-related condition. Last evaluated: 2025-05-30. Review status: criteria provided, single submitter. Criteria: ACMG Guidelines, 2015. Collection method: clinical testing. Allele origin: germline.
Comment: The TTN c.83821G>A variant is predicted to result in the amino acid substitution p.Glu27941Lys. To our knowledge, this variant has not been reported in the literature. This variant is reported in 0.0058% of alleles in individuals of Latino descent in gnomAD. At this time, the clinical significance of this variant is uncertain due to the absence of conclusive functional and genetic evidence.

Women's Health and Genetics/Laboratory Corporation of America, LabCorp
Classification: Uncertain significance. Last evaluated: 2023-10-16. Review status: criteria provided, single submitter. Criteria: LabCorp Variant Classification Summary - May 2015. Collection method: clinical testing. Allele origin: germline.
Comment: Variant summary: TTN c.76117G>A (p.Glu25373Lys) results in a conservative amino acid change located in the A-band region of the encoded protein sequence. Two of four in-silico tools predict a benign effect of the variant on protein function. The variant allele was found at a frequency of 2.4e-05 in 247758 control chromosomes (gnomAD). The available data on variant occurrences in the general population are insufficient to allow any conclusion about variant significance. To our knowledge, no occurrence of c.76117G>A in individuals affected with Limb-Girdle Muscular Dystrophy, Type 2J and no experimental evidence demonstrating its impact on protein function have been reported. Two submitters have cited clinical-significance assessments for this variant to ClinVar after 2014. All submitters classified the variant as uncertain significance. Based on the evidence outlined above, the variant was classified as uncertain significance.

Athena Diagnostics
Classification: Uncertain significance. Last evaluated: 2022-10-18. Review status: criteria provided, single submitter. Criteria: Athena Diagnostics Criteria. Collection method: clinical testing. Allele origin: unknown.
Comment: Available data are insufficient to determine the clinical significance of the variant at this time. The frequency of this variant in the general population is uninformative in assessment of its pathogenicity. Computational tools disagree on the variant's effect on normal protein function.

Revvity Omics, Revvity
Classification: Uncertain significance. Last evaluated: 2019-05-09. Review status: criteria provided, single submitter. Criteria: ACMG Guidelines, 2015. Collection method: clinical testing. Allele origin: germline.

Labcorp Genetics (formerly Invitae), Labcorp
Classification: Uncertain significance for Dilated cardiomyopathy 1G; Autosomal recessive limb-girdle muscular dystrophy type 2J. Last evaluated: 2017-10-26. Review status: criteria provided, single submitter. Criteria: Invitae Variant Classification Sherloc (09022015). Collection method: clinical testing. Allele origin: germline.